The following is an entry in ClinVar:

ClinVar aggregate classification (germline): Uncertain significance (1 of 4 stars; one submission).

Conditions:
Rauch-Steindl syndrome (RAUST). Identifiers: Orphanet 659642, MedGen C5562061, MONDO:0859219, OMIM 619695.

gnomAD v4.1: 3 of 1,614,068 alleles (0.00019%); highest among the groups gnomAD compares: Non-Finnish European, 0.00025%; no homozygotes.

Submission:

Pittsburgh Clinical Genomics Laboratory, University of Pittsburgh Medical Center
Classification: Uncertain significance for Rauch-Steindl syndrome. Last evaluated: 2022-04-22. Review status: criteria provided, single submitter. Criteria: ACMG Guidelines, 2015. Collection method: clinical testing. Allele origin: germline. Inheritance: Autosomal dominant inheritance. Affected: yes.
Comment: This sequence variant is a single nucleotide substitution (G>C) that results in a aspartic acid to histidine amino acid change at residue 1309 of the NSD2 protein. This variant has not been previously reported in individuals with NSD2-related disease or submitted to repositories of clinically annotated variants (ClinVar), to our knowledge. This variant is rare in control population datasets (gnomAD database 1/251398 alleles or 0.0004%). Bioinformatic tools predict that this variant would be damaging, and the Asp1309 residue is highly conserved across the mammalian species examined. Functiol studies examining the effect of this variant on protein structure or activity have not been performed, to our knowledge. At this time, there is insufficient evidence to determine if this variant is pathogenic or benign. Therefore we consider this a variant of uncertain significance. ACMG Criteria: PP3

NM_001042424.3(NSD2):c.3925G>C (p.Asp1309His)

Gene: NSD2 (nuclear receptor binding SET domain protein 2; plus strand). Cytogenetic location: 4p16.3.
Variant type: single nucleotide variant.
Coding change: c.3925G>C on transcript NM_001042424.3 (MANE Select); coding-DNA position 3925, G replaced by C.
Protein change: p.Asp1309His; replaces aspartic acid 1309 with histidine.
Molecular consequence: missense variant.
Genome position (GRCh38, 1-based): chr4:1,978,736, G>C. VCF-style: chr4-1978736-G-C. GRCh37 (hg19) VCF-style: chr4-1980463-G-C.
Other names: c.3925G>C, p.Asp1309His (NM_133330.3, NM_133331.3, NM_133335.4); short protein forms D1309H.
Identifiers: ClinVar variation 3376230 (VCV003376230.1).